The following is an entry in ClinVar:

ClinVar aggregate classification (germline): Uncertain significance (1 of 4 stars; one submission).

Conditions:
Hereditary cancer-predisposing syndrome. Also called: Tumor predisposition; Hereditary neoplastic syndrome; Hereditary Cancer Syndrome; Neoplastic Syndromes, Hereditary. Identifiers: Orphanet 140162, MedGen C0027672, MeSH D009386, MONDO:0015356.

Allele frequency attached by ClinVar (database versions not stated): TOPMed below 0.00001; gnomAD 0.00001.
gnomAD v4.1: 1 of 1,614,048 alleles (0.000062%); highest among the groups gnomAD compares: East Asian, 0.0022%; no homozygotes.

Submission:

Ambry Genetics
Classification: Uncertain significance for Hereditary cancer-predisposing syndrome. Last evaluated: 2023-09-27. Review status: criteria provided, single submitter. Criteria: Ambry Variant Classification Scheme 2023. Collection method: clinical testing. Allele origin: germline.
Comment: The p.K229N variant (also known as c.687G>C), located in coding exon 3 of the XRCC2 gene, results from a G to C substitution at nucleotide position 687. The lysine at codon 229 is replaced by asparagine, an amino acid with similar properties. This amino acid position is conserved. In addition, this alteration is predicted to be tolerated by in silico analysis. Since supporting evidence is limited at this time, the clinical significance of this alteration remains unclear.

NM_005431.2(XRCC2):c.687G>C (p.Lys229Asn)

Gene: XRCC2 (X-ray repair cross complementing 2; minus strand). Cytogenetic location: 7q36.1.
Variant type: single nucleotide variant.
Coding change: c.687G>C on transcript NM_005431.2 (MANE Select); coding-DNA position 687, G replaced by C.
Protein change: p.Lys229Asn; replaces lysine 229 with asparagine.
Molecular consequence: missense variant.
Genome position (GRCh38, 1-based): chr7:152,648,798, C>G on the plus strand (G>C on the coding strand, the complement: XRCC2 is on the minus strand). VCF-style: chr7-152648798-C-G. GRCh37 (hg19) VCF-style: chr7-152345883-C-G.
Other names: short protein forms K229N.
Identifiers: ClinVar variation 3224691 (VCV003224691.1), dbSNP rs2098027173, ClinGen allele CA370198169.
Genomic context (GRCh38, chr7:152,648,798, plus strand): 5'-GCTTTGAGAATCATCTTGTTTGGAGAAAAACATCCTGTGCTTCACCAGTTGCTGCCATGC[C>G]TTACAGAGATAAGGTCTGTAGTCTATGTCCACATCACACAGTCGTCGAGAGGCATGAGAA-3'
Protein context (NP_005422.1, residues 219-239): VDIDYRPYLC[Lys229Asn]AWQQLVKHRM